The following is an entry in ClinVar:

NM_001379500.1(COL18A1):c.1891C>T (p.Pro631Ser)

Gene: COL18A1 (collagen type XVIII alpha 1 chain; plus strand). Cytogenetic location: 21q22.3.
Variant type: single nucleotide variant.
Coding change: c.1891C>T on transcript NM_001379500.1 (MANE Select); coding-DNA position 1891, C replaced by T.
Protein change: p.Pro631Ser; replaces proline 631 with serine.
Molecular consequence: missense variant.
Genome position (GRCh38, 1-based): chr21:45,487,504, C>T. VCF-style: chr21-45487504-C-T. GRCh37 (hg19) VCF-style: chr21-46907418-C-T.
Other names: NM_130445.2:c.1891C>T; c.2431C>T, p.Pro811Ser (NM_030582.4); c.3136C>T, p.Pro1046Ser (NM_130444.3); short protein forms P1046S, P811S, P631S.
Identifiers: ClinVar variation 898193 (VCV000898193.6), dbSNP rs777357848, ClinGen allele CA10066592.
Genomic context (GRCh38, chr21:45,487,504, plus strand): 5'-CAGGATGACATGGAAGGCTCCGGGGGGCCCTTCTGGTCAACAGCCCGAAGCGCTGATGGG[C>T]CACAGGTAGTGTTGTGAGCTGGGCGTGGCCGGCTCTGAGGGGTAAGGGGGTGTTGCCTGG-3'
Protein context (NP_001366429.1, residues 621-641): FWSTARSADG[Pro631Ser]QGPPGLPGLK

ClinVar aggregate classification (germline): Uncertain significance. Review status: criteria provided, multiple submitters, no conflicts (2 of 4 stars). 2 submissions from 2 submitters: Uncertain significance (2). Last evaluated 2023-09-13.

Conditions:
Knobloch syndrome (KNO). Also called: RETINAL DETACHMENT AND OCCIPITAL ENCEPHALOCELE; Myopia retinal detachment encephalocele. Identifiers: Orphanet 1571, MedGen C1849409, MONDO:0800166.

Allele frequency attached by ClinVar (database versions not stated): TOPMed 0.00002; ExAC 0.00001; gnomAD 0.00001; gnomAD exomes 0.00002.
gnomAD v4.1: 25 of 1,612,816 alleles (0.0016%); highest among the groups gnomAD compares: Non-Finnish European, 0.002%; no homozygotes.

Submissions (2):

Labcorp Genetics (formerly Invitae), Labcorp
Classification: Uncertain significance. Last evaluated: 2023-09-13. Review status: criteria provided, single submitter. Criteria: Invitae Variant Classification Sherloc (09022015). Collection method: clinical testing. Allele origin: germline.
Comment: This sequence change replaces proline, which is neutral and non-polar, with serine, which is neutral and polar, at codon 631 of the COL18A1 protein (p.Pro631Ser). This variant is present in population databases (rs777357848, gnomAD 0.007%). This variant has not been reported in the literature in individuals affected with COL18A1-related conditions. ClinVar contains an entry for this variant (Variation ID: 898193). Experimental studies and prediction algorithms are not available or were not evaluated, and the functional significance of this variant is currently unknown. In summary, the available evidence is currently insufficient to determine the role of this variant in disease. Therefore, it has been classified as a Variant of Uncertain Significance.

Illumina Laboratory Services, Illumina
Classification: Uncertain significance for Knobloch syndrome 1. Last evaluated: 2018-01-13. Review status: criteria provided, single submitter. Criteria: ICSL Variant Classification Criteria 13 December 2019. Collection method: clinical testing. Allele origin: germline.